The following is an entry in ClinVar:

NM_005591.4(MRE11):c.545G>A (p.Gly182Glu)

Gene: MRE11 (MRE11 double strand break repair nuclease; minus strand). Cytogenetic location: 11q21.
Variant type: single nucleotide variant.
Coding change: c.545G>A on transcript NM_005591.4 (MANE Select); coding-DNA position 545, G replaced by A.
Protein change: p.Gly182Glu; replaces glycine 182 with glutamic acid.
Molecular consequence: missense variant.
Genome position (GRCh38, 1-based): chr11:94,476,403, C>T on the plus strand (G>A on the coding strand, the complement: MRE11 is on the minus strand). VCF-style: chr11-94476403-C-T. GRCh37 (hg19) VCF-style: chr11-94209569-C-T.
Other names: c.545G>A, p.Gly182Glu (NM_001330347.2, NM_005590.4); short protein forms G182E.
Identifiers: ClinVar variation 1800431 (VCV001800431.2), dbSNP rs2135071880, ClinGen allele CA382377048.
Genomic context (GRCh38, chr11:94,476,403, plus strand): 5'-CTCAACATTGTTACTTTTTTATTGACAAACATTCGATAGAGCCTTTCATCTGGAATGGAT[C>T]CTGAAATGGACATTACATTATTTTTAAATTGTTTTCTTACTTCGGCTTAAAAAATGAATC-3'
Protein context (NP_005582.1, residues 172-192): GSTKIALYGL[Gly182Glu]SIPDERLYRM

ClinVar aggregate classification (germline): Uncertain significance (1 of 4 stars; one submission).

Conditions:
Hereditary cancer-predisposing syndrome. Also called: Neoplastic Syndromes, Hereditary; Tumor predisposition; Hereditary Cancer Syndrome; Hereditary neoplastic syndrome. Identifiers: Orphanet 140162, MedGen C0027672, MeSH D009386, MONDO:0015356.

Submission:

Ambry Genetics
Classification: Uncertain significance for Hereditary cancer-predisposing syndrome. Last evaluated: 2019-10-30. Review status: criteria provided, single submitter. Criteria: Ambry Variant Classification Scheme 2023. Collection method: clinical testing. Allele origin: germline.
Comment: The p.G182E variant (also known as c.545G>A) is located in coding exon 6 of the MRE11A gene. The glycine at codon 182 is replaced by glutamic acid, an amino acid with similar properties. This change occurs in the first base pair of coding exon 6. This amino acid position is highly conserved in available vertebrate species. In addition, this alteration is predicted to be deleterious by in silico analysis. Since supporting evidence is limited at this time, the clinical significance of this alteration remains unclear.